The following is an entry in ClinVar:

ClinVar aggregate classification (germline): Uncertain significance (1 of 4 stars; one submission).

Conditions:
TET3-related disorder. Also called: TET3-related condition; TET3-Related Disease.

Allele frequency attached by ClinVar (database versions not stated): gnomAD exomes below 0.00001; TOPMed below 0.00001.
gnomAD v4.1: 2 of 1,612,986 alleles (0.00012%); highest among the groups gnomAD compares: African/African-American, 0.0013%; no homozygotes.

Submission:

PreventionGenetics, part of Exact Sciences
Classification: Uncertain significance for TET3-related condition. Last evaluated: 2022-11-02. Review status: criteria provided, single submitter. Criteria: ACMG Guidelines, 2015. Collection method: clinical testing. Allele origin: germline.
Comment: The TET3 c.5005C>T variant is predicted to result in the amino acid substitution p.Arg1669Trp. To our knowledge, this variant has not been reported in the literature. This variant is reported in 0.0067% of alleles in individuals of African descent in gnomAD. At this time, the clinical significance of this variant is uncertain due to the absence of conclusive functional and genetic evidence.

NM_001287491.2(TET3):c.5005C>T (p.Arg1669Trp)

Gene: TET3 (tet methylcytosine dioxygenase 3; plus strand). Cytogenetic location: 2p13.1.
Variant type: single nucleotide variant.
Coding change: c.5005C>T on transcript NM_001287491.2 (MANE Select); coding-DNA position 5005, C replaced by T.
Protein change: p.Arg1669Trp; replaces arginine 1669 with tryptophan.
Molecular consequence: missense variant.
Genome position (GRCh38, 1-based): chr2:74,101,793, C>T. VCF-style: chr2-74101793-C-T. GRCh37 (hg19) VCF-style: chr2-74328920-C-T.
Other names: c.4726C>T, p.Arg1576Trp (NM_001366022.1); c.4600C>T, p.Arg1534Trp (NM_144993.1); short protein forms R1534W, R1576W, R1669W.
Identifiers: ClinVar variation 2635500 (VCV002635500.1), dbSNP rs1367676550, ClinGen allele CA347323514.